The following is an entry in ClinVar:

ClinVar aggregate classification (germline): Conflicting classifications of pathogenicity. Review status: criteria provided, conflicting classifications (1 of 4 stars). 2 submissions from 2 submitters: Uncertain significance (1); Likely benign (1). Last evaluated 2025-07-10.

Conditions:
LMO7-related disorder. Also called: LMO7-related condition.

gnomAD v4.1: 90 of 1,613,972 alleles (0.0056%); highest among the groups gnomAD compares: African/African-American, 0.015%; no homozygotes.

Submissions (2):

PreventionGenetics, part of Exact Sciences
Classification: Uncertain significance for LMO7-related condition. Last evaluated: 2025-07-10. Review status: criteria provided, single submitter. Criteria: ACMG Guidelines, 2015. Collection method: clinical testing. Allele origin: germline.
Comment: The LMO7 c.2546G>A variant is predicted to result in the amino acid substitution p.Arg849Gln. To our knowledge, this variant has not been reported in the literature. This variant is reported in 0.020% of alleles in individuals of African descent in gnomAD. At this time, the clinical significance of this variant is uncertain due to the absence of conclusive functional and genetic evidence.

Ambry Genetics
Classification: Likely benign. Last evaluated: 2025-03-28. Review status: criteria provided, single submitter. Criteria: Ambry Variant Classification Scheme 2023. Collection method: clinical testing. Allele origin: germline.

NM_001306080.2(LMO7):c.2546G>A (p.Arg849Gln)

Gene: LMO7 (LIM domain 7; plus strand). Cytogenetic location: 13q22.2.
Variant type: single nucleotide variant.
Coding change: c.2546G>A on transcript NM_001306080.2 (MANE Select); coding-DNA position 2546, G replaced by A.
Protein change: p.Arg849Gln; replaces arginine 849 with glutamine.
Molecular consequence: missense variant.
Genome position (GRCh38, 1-based): chr13:75,821,515, G>A. VCF-style: chr13-75821515-G-A. GRCh37 (hg19) VCF-style: chr13-76395651-G-A.
Other names: c.1847G>A, p.Arg616Gln (NM_001330583.1, NM_001366632.2, NM_015842.2); c.2420G>A, p.Arg807Gln (NM_001366633.2); c.1565G>A, p.Arg522Gln (NM_001366634.2, NM_001366636.2); c.1700G>A, p.Arg567Gln (NM_005358.5); c.2546G>A (NM_001306080.1); short protein forms R522Q, R616Q, R849Q, R567Q, R807Q.
Identifiers: ClinVar variation 4047787 (VCV004047787.2).
Genomic context (GRCh38, chr13:75,821,515, plus strand): 5'-GTTCACGGAGCACACAAATGGAATCAACTCGTGTTTCAGCTTCTCTCCCCAGAAGTTACC[G>A]GAAAACTGATACAGTCAGGTTAACATCTGTGGTCACACCAAGACCCTTTGGCTCTCAGAC-3'
Protein context (NP_001293009.1, residues 839-859): RVSASLPRSY[Arg849Gln]KTDTVRLTSV